The following is an entry in ClinVar:

ClinVar aggregate classification (germline): Uncertain significance (1 of 4 stars; one submission).

Conditions:
Neurofibromatosis, type 1 (NF1). Also called: VON RECKLINGHAUSEN DISEASE; NEUROFIBROMATOSIS, TYPE I, SOMATIC; Neurofibromatosis, type I; Peripheral type neurofibromatosis. Identifiers: Orphanet 636, MedGen C0027831, MONDO:0018975, OMIM 162200. Disease mechanism: loss of function.

Submission:

Labcorp Genetics (formerly Invitae), Labcorp
Classification: Uncertain significance for Neurofibromatosis, type 1. Last evaluated: 2025-03-04. Review status: criteria provided, single submitter. Criteria: Invitae Variant Classification Sherloc (09022015). Collection method: clinical testing. Allele origin: germline.
Comment: This sequence change replaces serine, which is neutral and polar, with asparagine, which is neutral and polar, at codon 319 of the NF1 protein (p.Ser319Asn). This variant is not present in population databases (gnomAD no frequency). This variant has not been reported in the literature in individuals affected with NF1-related conditions. Invitae Evidence Modeling of protein sequence and biophysical properties (such as structural, functional, and spatial information, amino acid conservation, physicochemical variation, residue mobility, and thermodynamic stability) indicates that this missense variant is not expected to disrupt NF1 protein function with a negative predictive value of 95%. In summary, the available evidence is currently insufficient to determine the role of this variant in disease. Therefore, it has been classified as a Variant of Uncertain Significance.

NM_001042492.3(NF1):c.956G>A (p.Ser319Asn)

Gene: NF1 (neurofibromin 1; plus strand). Cytogenetic location: 17q11.2.
Variant type: single nucleotide variant.
Coding change: c.956G>A on transcript NM_001042492.3 (MANE Select); coding-DNA position 956, G replaced by A.
Protein change: p.Ser319Asn; replaces serine 319 with asparagine.
Molecular consequence: missense variant.
Genome position (GRCh38, 1-based): chr17:31,200,489, G>A. VCF-style: chr17-31200489-G-A. GRCh37 (hg19) VCF-style: chr17-29527507-G-A.
Other names: c.956G>A, p.Ser319Asn (NM_000267.4, NM_001128147.3); short protein forms S319N.
Identifiers: ClinVar variation 3672774 (VCV003672774.2).
Genomic context (GRCh38, chr17:31,200,489, plus strand): 5'-TTCTGGACAGTCTACGAAAAGCTCTTGCTGGCCATGGAGGAAGTAGGCAGCTGACAGAAA[G>A]TGCTGCAATTGCCTGTGTCAAACTGTGTAAAGCAAGTACTTACATCAATTGGGAAGATAA-3'
Protein context (NP_001035957.1, residues 309-329): GHGGSRQLTE[Ser319Asn]AAIACVKLCK